The following is an entry in ClinVar:

NM_012096.3(APPL1):c.701A>G (p.Gln234Arg)

Gene: APPL1 (adaptor protein, phosphotyrosine interacting with PH domain and leucine zipper 1; plus strand). Cytogenetic location: 3p14.3.
Variant type: single nucleotide variant.
Coding change: c.701A>G on transcript NM_012096.3 (MANE Select); coding-DNA position 701, A replaced by G.
Protein change: p.Gln234Arg; replaces glutamine 234 with arginine.
Molecular consequence: missense variant.
Genome position (GRCh38, 1-based): chr3:57,247,474, A>G. VCF-style: chr3-57247474-A-G. GRCh37 (hg19) VCF-style: chr3-57281502-A-G.
Other names: short protein forms Q234R.
Identifiers: ClinVar variation 4128116 (VCV004128116.2).

ClinVar aggregate classification (germline): Uncertain significance. Review status: criteria provided, multiple submitters, no conflicts (2 of 4 stars). 2 submissions from 2 submitters: Uncertain significance (2). Last evaluated 2025-09-10.

gnomAD v4.1: 1 of 1,582,112 alleles (0.000063%); highest among the groups gnomAD compares: Non-Finnish European, 0.000087%; no homozygotes.

Submissions (2):

Labcorp Genetics (formerly Invitae), Labcorp
Classification: Uncertain significance. Last evaluated: 2025-09-10. Review status: criteria provided, single submitter. Criteria: Invitae Variant Classification Sherloc (09022015). Collection method: clinical testing. Allele origin: germline.
Comment: This sequence change replaces glutamine, which is neutral and polar, with arginine, which is basic and polar, at codon 234 of the APPL1 protein (p.Gln234Arg). This variant is present in population databases (rs143408452, gnomAD 0.002%). This variant has not been reported in the literature in individuals affected with APPL1-related conditions. Invitae Evidence Modeling of protein sequence and biophysical properties (such as structural, functional, and spatial information, amino acid conservation, physicochemical variation, residue mobility, and thermodynamic stability) indicates that this missense variant is not expected to disrupt APPL1 protein function with a negative predictive value of 80%. In summary, the available evidence is currently insufficient to determine the role of this variant in disease. Therefore, it has been classified as a Variant of Uncertain Significance.

Ambry Genetics
Classification: Uncertain significance. Last evaluated: 2025-07-14. Review status: criteria provided, single submitter. Criteria: Ambry Variant Classification Scheme 2023. Collection method: clinical testing. Allele origin: germline.